The following is an entry in ClinVar:

NM_000202.8(IDS):c.[1411G>C;1418C>T]

Variant type: Haplotype.
Identifiers: ClinVar variation 988700 (VCV000988700.2).

ClinVar aggregate classification (germline): Pathogenic (0 of 4 stars; one submission).

Conditions:
Mucopolysaccharidosis, MPS-II (MPS2). Also called: Hunter Syndrome; IDURONATE 2-SULFATASE DEFICIENCY; Mucopolysaccharidosis Type II; IDS deficiency; Sulfoiduronate sulfatase deficiency; SIDS deficiency. Identifiers: Orphanet 580, Orphanet 79388, MedGen C0026705, MONDO:0010674, OMIM 309900.

Submission:

Laboratory of Inherited Metabolic Diseases, Research centre for medical genetics
Classification: Pathogenic for Mucopolysaccharidosis, type II; MPS2. Review status: no assertion criteria provided. Collection method: research. Allele origin: germline. Affected: yes.